The following is an entry in ClinVar:

ClinVar aggregate classification (germline): Conflicting classifications of pathogenicity. Review status: criteria provided, conflicting classifications (1 of 4 stars). 2 submissions from 2 submitters: Uncertain significance (1); Likely benign (1). Last evaluated 2025-07-27.

Conditions:
Hereditary cancer-predisposing syndrome. Also called: Neoplastic Syndromes, Hereditary; Tumor predisposition; Hereditary neoplastic syndrome; Hereditary Cancer Syndrome. Identifiers: Orphanet 140162, MedGen C0027672, MeSH D009386, MONDO:0015356.

Allele frequency attached by ClinVar (database versions not stated): gnomAD exomes below 0.00001 and 0.00001; ExAC 0.00001; gnomAD 0.00001.

Submissions (2):

Labcorp Genetics (formerly Invitae), Labcorp
Classification: Uncertain significance. Last evaluated: 2025-07-27. Review status: criteria provided, single submitter. Criteria: Invitae Variant Classification Sherloc (09022015). Collection method: clinical testing. Allele origin: germline.
Comment: This sequence change replaces asparagine, which is neutral and polar, with serine, which is neutral and polar, at codon 188 of the CTNNA1 protein (p.Asn188Ser). This variant is present in population databases (rs754728195, gnomAD 0.006%). This variant has not been reported in the literature in individuals affected with CTNNA1-related conditions. ClinVar contains an entry for this variant (Variation ID: 825862). Invitae Evidence Modeling of protein sequence and biophysical properties (such as structural, functional, and spatial information, amino acid conservation, physicochemical variation, residue mobility, and thermodynamic stability) indicates that this missense variant is not expected to disrupt CTNNA1 protein function with a negative predictive value of 80%. In summary, the available evidence is currently insufficient to determine the role of this variant in disease. Therefore, it has been classified as a Variant of Uncertain Significance.

Ambry Genetics
Classification: Likely benign for Hereditary cancer-predisposing syndrome. Last evaluated: 2025-06-16. Review status: criteria provided, single submitter. Criteria: Ambry Variant Classification Scheme 2023. Collection method: clinical testing. Allele origin: germline.

NM_001903.5(CTNNA1):c.563A>G (p.Asn188Ser)

Gene: CTNNA1 (catenin alpha 1; plus strand). Cytogenetic location: 5q31.2.
Variant type: single nucleotide variant.
Coding change: c.563A>G on transcript NM_001903.5 (MANE Select); coding-DNA position 563, A replaced by G.
Protein change: p.Asn188Ser; replaces asparagine 188 with serine.
Molecular consequence: missense variant.
Genome position (GRCh38, 1-based): chr5:138,812,277, A>G. VCF-style: chr5-138812277-A-G. GRCh37 (hg19) VCF-style: chr5-138147966-A-G.
Other names: c.563A>G, p.Asn188Ser (NM_001290307.3, NM_001323982.2, NM_001323983.1 and 3 more transcripts); c.254A>G, p.Asn85Ser (NM_001290309.3); c.194A>G, p.Asn65Ser (NM_001290310.3); short protein forms N65S, N188S, N85S.
Identifiers: ClinVar variation 825862 (VCV000825862.15), dbSNP rs754728195, ClinGen allele CA3431478.
Genomic context (GRCh38, chr5:138,812,277, plus strand): 5'-GCAATGAACAAGACTTAGGAATCCAGTATAAAGCCCTAAAACCTGAAGTGGATAAGCTGA[A>G]CATTATGGCAGCCAAAAGACAACAGGTACAGTCATGATTTGGGGATATATTAAAGTTGTT-3'
Protein context (NP_001894.2, residues 178-198): KALKPEVDKL[Asn188Ser]IMAAKRQQEL